The following is an entry in ClinVar:

ClinVar aggregate classification (germline): Uncertain significance (1 of 4 stars; one submission).

Conditions:
Inborn genetic diseases. Identifiers: MedGen C0950123, MeSH D030342.

Submission:

Ambry Genetics
Classification: Uncertain significance for Inborn genetic diseases. Last evaluated: 2025-09-25. Review status: criteria provided, single submitter. Criteria: Ambry Variant Classification Scheme 2023. Collection method: clinical testing. Allele origin: germline.
Comment: The c.373C>G (p.L125V) alteration is located in exon 2 (coding exon 2) of the IGF1R gene. This alteration results from a C to G substitution at nucleotide position 373, causing the leucine (L) at amino acid position 125 to be replaced by a valine (V). This variant was not reported in population-based cohorts in the Genome Aggregation Database (gnomAD). This amino acid position is highly conserved in available vertebrate species. This alteration is predicted to be deleterious by in silico analysis. Based on insufficient or conflicting evidence, the clinical significance of this alteration remains unclear.

NM_000875.5(IGF1R):c.373C>G (p.Leu125Val)

Gene: IGF1R (insulin like growth factor 1 receptor; plus strand). Cytogenetic location: 15q26.3.
Variant type: single nucleotide variant.
Coding change: c.373C>G on transcript NM_000875.5 (MANE Select); coding-DNA position 373, C replaced by G.
Protein change: p.Leu125Val; replaces leucine 125 with valine.
Molecular consequence: missense variant.
Genome position (GRCh38, 1-based): chr15:98,707,840, C>G. VCF-style: chr15-98707840-C-G. GRCh37 (hg19) VCF-style: chr15-99251069-C-G.
Other names: c.373C>G, p.Leu125Val (NM_001291858.2); short protein forms L125V.
Identifiers: ClinVar variation 4274050 (VCV004274050.2).